The following is an entry in ClinVar:

ClinVar aggregate classification (germline): Benign/Likely benign. Review status: criteria provided, multiple submitters, no conflicts (2 of 4 stars). 8 submissions from 8 submitters: Benign (7); Likely benign (1). Last evaluated 2026-02-04.

Conditions:
Dyskeratosis congenita. Identifiers: Orphanet 1775, MedGen C0265965, MONDO:0015780.
Cerebroretinal microangiopathy with calcifications and cysts 1 (CRMCC1). Identifiers: Orphanet 313838, MedGen C4552029, MONDO:0024564, OMIM 612199.

Allele frequency attached by ClinVar (database versions not stated): 1000 Genomes Project 0.00759; 1000 Genomes Project 30x 0.00796; TOPMed 0.01170; ESP Exome Variant Server 0.01518.
gnomAD v4.1: 25,103 of 1,613,968 alleles (1.6%); highest among the groups gnomAD compares: Middle Eastern, 5.7%; 258 homozygotes.

Submissions (8):

Labcorp Genetics (formerly Invitae), Labcorp
Classification: Benign for Dyskeratosis congenita. Last evaluated: 2026-02-04. Review status: criteria provided, single submitter. Criteria: Invitae Variant Classification Sherloc (09022015). Collection method: clinical testing. Allele origin: germline.

ARUP Laboratories, Molecular Genetics and Genomics, ARUP Laboratories
Classification: Benign for Cerebroretinal microangiopathy with calcifications and cysts 1. Last evaluated: 2025-07-21. Review status: criteria provided, single submitter. Criteria: ARUP Molecular Germline Variant Investigation Process 2024. Collection method: clinical testing. Allele origin: germline.

Blueprint Genetics
Classification: Likely benign. Last evaluated: 2024-11-27. Review status: criteria provided, single submitter. Criteria: ACMG Guidelines, 2015. Collection method: clinical testing. Allele origin: germline.

Mayo Clinic Laboratories, Mayo Clinic
Classification: Benign. Last evaluated: 2024-01-08. Review status: criteria provided, single submitter. Criteria: ACMG Guidelines, 2015. Collection method: clinical testing. Allele origin: germline. Observed: 49 variant alleles.
Comment: BS1, BS2

Genome-Nilou Lab
Classification: Benign for Cerebroretinal microangiopathy with calcifications and cysts 1. Last evaluated: 2021-07-30. Review status: criteria provided, single submitter. Criteria: ACMG Guidelines, 2015. Collection method: clinical testing. Allele origin: germline. Affected: no.

GeneDx
Classification: Benign. Last evaluated: 2020-04-07. Review status: criteria provided, single submitter. Criteria: GeneDx Variant Classification Process June 2021. Collection method: clinical testing. Allele origin: germline. Affected: yes.

Illumina Laboratory Services, Illumina
Classification: Benign for Dyskeratosis congenita. Last evaluated: 2018-01-12. Review status: criteria provided, single submitter. Criteria: ICSL Variant Classification Criteria 13 December 2019. Collection method: clinical testing. Allele origin: germline.
Comment: This variant was observed in the ICSL laboratory as part of a predisposition screen in an ostensibly healthy population. It had not been previously curated by ICSL or reported in the Human Gene Mutation Database (HGMD: prior to June 1st, 2018), and was therefore a candidate for classification through an automated scoring system. Utilizing variant allele frequency, disease prevalence and penetrance estimates, and inheritance mode, an automated score was calculated to assess if this variant is too frequent to cause the disease. Based on the score and internal cut-off values, a variant classified as benign is not then subjected to further curation. The score for this variant resulted in a classification of benign for this disease.

Breakthrough Genomics
Classification: Benign. Review status: criteria provided, single submitter. Criteria: ACMG Guidelines, 2015. Collection method: not provided. Allele origin: germline. Inheritance: Autosomal recessive inheritance. Affected: yes.

NM_025099.6(CTC1):c.1241G>C (p.Gly414Ala)

Gene: CTC1 (CST telomere replication complex component 1; minus strand). Cytogenetic location: 17p13.1.
Variant type: single nucleotide variant.
Coding change: c.1241G>C on transcript NM_025099.6 (MANE Select); coding-DNA position 1241, G replaced by C.
Protein change: p.Gly414Ala; replaces glycine 414 with alanine.
Molecular consequence: missense variant. On other transcripts: non-coding transcript variant (1).
Genome position (GRCh38, 1-based): chr17:8,235,251, C>G on the plus strand (G>C on the coding strand, the complement: CTC1 is on the minus strand). VCF-style: chr17-8235251-C-G. GRCh37 (hg19) VCF-style: chr17-8138569-C-G.
Other names: p.Gly414Ala; short protein forms G414A.
Identifiers: ClinVar variation 241577 (VCV000241577.30), dbSNP rs62624978, ClinGen allele CA8372409.